The following is an entry in ClinVar:

ClinVar aggregate classification (germline): Pathogenic (1 of 4 stars; one submission).

Allele frequency attached by ClinVar (database versions not stated): gnomAD exomes below 0.00001.

Submission:

Labcorp Genetics (formerly Invitae), Labcorp
Classification: Pathogenic. Last evaluated: 2023-05-07. Review status: criteria provided, single submitter. Criteria: Invitae Variant Classification Sherloc (09022015). Collection method: clinical testing. Allele origin: germline.
Comment: For these reasons, this variant has been classified as Pathogenic. This variant has not been reported in the literature in individuals affected with ABCC2-related conditions. This variant is not present in population databases (gnomAD no frequency). This sequence change creates a premature translational stop signal (p.Gln156*) in the ABCC2 gene. It is expected to result in an absent or disrupted protein product. Loss-of-function variants in ABCC2 are known to be pathogenic (PMID: 9185779, 16549534, 16952291).

Literature cited by the submitters: PubMed 9185779; PubMed 16549534; PubMed 16952291.

NM_000392.5(ABCC2):c.466C>T (p.Gln156Ter)

Gene: ABCC2 (ATP binding cassette subfamily C member 2; plus strand). Cytogenetic location: 10q24.2.
Variant type: single nucleotide variant.
Coding change: c.466C>T on transcript NM_000392.5 (MANE Select); coding-DNA position 466, C replaced by T.
Protein change: p.Gln156Ter; replaces glutamine 156 with a stop codon.
Molecular consequence: nonsense.
Genome position (GRCh38, 1-based): chr10:99,793,683, C>T. VCF-style: chr10-99793683-C-T. GRCh37 (hg19) VCF-style: chr10-101553440-C-T.
Other names: short protein forms Q156*.
Identifiers: ClinVar variation 2862594 (VCV002862594.3), dbSNP rs2492842718, ClinGen allele CA378102784.
Genomic context (GRCh38, chr10:99,793,683, plus strand): 5'-TGGATTCTCTCGATACTCTGTGGCACTTTCCAATTTCAGACTCTGATCCGGACACTCTTA[C>T]AGGTAAGGAAAAAAAGAGTGGATGACATGAGGAGGTACCATGGGGCAACCTCTAACTCAT-3'